The following is an entry in ClinVar:

NM_003482.4(KMT2D):c.2857C>G (p.Pro953Ala)

Gene: KMT2D (lysine methyltransferase 2D; minus strand). Cytogenetic location: 12q13.12.
Variant type: single nucleotide variant.
Coding change: c.2857C>G on transcript NM_003482.4 (MANE Select); coding-DNA position 2857, C replaced by G.
Protein change: p.Pro953Ala; replaces proline 953 with alanine.
Molecular consequence: missense variant.
Genome position (GRCh38, 1-based): chr12:49,050,731, G>C on the plus strand (C>G on the coding strand, the complement: KMT2D is on the minus strand). VCF-style: chr12-49050731-G-C. GRCh37 (hg19) VCF-style: chr12-49444514-G-C.
Other names: short protein forms P953A.
Identifiers: ClinVar variation 3635165 (VCV003635165.2).
Genomic context (GRCh38, chr12:49,050,731, plus strand): 5'-ACGGTGACTCAGGGTCACTGTCCCCTTTGGCACCAAAGGGGTACTCTAACTCCCCCAAAG[G>C]AGACAGGGCCGGTGGGGCCGCAGCTGTGATGATGGGTGAGAGTGGAGGAGGAAGGGGATC-3'
Protein context (NP_003473.3, residues 943-963): ITAAAPPALS[Pro953Ala]LGELEYPFGA

ClinVar aggregate classification (germline): Uncertain significance (1 of 4 stars; one submission).

Conditions:
Kabuki syndrome. Also called: NIIKAWA-KUROKI SYNDROME; Kabuki make-up syndrome. Identifiers: Orphanet 2322, MedGen C0796004, MONDO:0016512.

Submission:

Labcorp Genetics (formerly Invitae), Labcorp
Classification: Uncertain significance for Kabuki syndrome. Last evaluated: 2024-10-29. Review status: criteria provided, single submitter. Criteria: Invitae Variant Classification Sherloc (09022015). Collection method: clinical testing. Allele origin: germline.
Comment: This sequence change replaces proline, which is neutral and non-polar, with alanine, which is neutral and non-polar, at codon 953 of the KMT2D protein (p.Pro953Ala). This variant is not present in population databases (gnomAD no frequency). This variant has not been reported in the literature in individuals affected with KMT2D-related conditions. Invitae Evidence Modeling of protein sequence and biophysical properties (such as structural, functional, and spatial information, amino acid conservation, physicochemical variation, residue mobility, and thermodynamic stability) indicates that this missense variant is not expected to disrupt KMT2D protein function with a negative predictive value of 95%. In summary, the available evidence is currently insufficient to determine the role of this variant in disease. Therefore, it has been classified as a Variant of Uncertain Significance.